The following is an entry in ClinVar:

ClinVar aggregate classification (germline): Likely benign (0 of 4 stars; one submission).

Conditions:
DMGDH-related disorder. Also called: DMGDH-related condition.

Allele frequency attached by ClinVar (database versions not stated): ExAC 0.00001; gnomAD exomes 0.00002; TOPMed 0.00002; gnomAD 0.00003.
gnomAD v4.1: 37 of 1,612,192 alleles (0.0023%); highest among the groups gnomAD compares: Non-Finnish European, 0.0031%; no homozygotes.

Submission:

PreventionGenetics, part of Exact Sciences
Classification: Likely benign for DMGDH-related condition. Last evaluated: 2019-06-13. Review status: no assertion criteria provided. Collection method: clinical testing. Allele origin: germline.
Comment: This variant is classified as likely benign based on ACMG/AMP sequence variant interpretation guidelines (Richards et al. 2015 PMID: 25741868, with internal and published modifications).

NM_013391.3(DMGDH):c.315G>A (p.Leu105=)

Gene: DMGDH (dimethylglycine dehydrogenase; minus strand). Cytogenetic location: 5q14.1.
Variant type: single nucleotide variant.
Coding change: c.315G>A on transcript NM_013391.3 (MANE Select); coding-DNA position 315, G replaced by A.
Protein change: p.Leu105=; no amino-acid change (leucine 105 retained).
Molecular consequence: synonymous variant.
Genome position (GRCh38, 1-based): chr5:79,055,870, C>T on the plus strand (G>A on the coding strand, the complement: DMGDH is on the minus strand). VCF-style: chr5-79055870-C-T. GRCh37 (hg19) VCF-style: chr5-78351693-C-T.
Identifiers: ClinVar variation 3034483 (VCV003034483.2), dbSNP rs773725904, ClinGen allele CA3319017.